The following is an entry in ClinVar:

ClinVar aggregate classification (germline): Benign/Likely benign. Review status: criteria provided, multiple submitters, no conflicts (2 of 4 stars). 3 submissions from 3 submitters: Benign (1); Likely benign (2). Last evaluated 2026-01-25.

Conditions:
Neuronal ceroid lipofuscinosis 7 (CLN7). Also called: MFSD8-Related Neuronal Ceroid-Lipofuscinosis. Identifiers: Orphanet 168491, Orphanet 228366, MedGen C1838571, MONDO:0012588, OMIM 610951.

Submissions (3):

Labcorp Genetics (formerly Invitae), Labcorp
Classification: Benign for Neuronal ceroid lipofuscinosis 7. Last evaluated: 2026-01-25. Review status: criteria provided, single submitter. Criteria: Invitae Variant Classification Sherloc (09022015). Collection method: clinical testing. Allele origin: germline.

Blueprint Genetics
Classification: Likely benign. Last evaluated: 2024-11-26. Review status: criteria provided, single submitter. Criteria: ACMG Guidelines, 2015. Collection method: clinical testing. Allele origin: germline.

GeneDx
Classification: Likely benign. Last evaluated: 2017-09-14. Review status: criteria provided, single submitter. Criteria: GeneDx Variant Classification (06012015). Collection method: clinical testing. Allele origin: germline. Affected: yes.
Comment: This variant is considered likely benign or benign based on one or more of the following criteria: it is a conservative change, it occurs at a poorly conserved position in the protein, it is predicted to be benign by multiple in silico algorithms, and/or has population frequency not consistent with disease.

NM_001371596.2(MFSD8):c.63-16del

Gene: MFSD8 (major facilitator superfamily domain containing 8; minus strand). Cytogenetic location: 4q28.2.
Variant type: Deletion.
Coding change: c.63-16del on transcript NM_001371596.2 (MANE Select); 16 bases into the intron before coding-DNA position 63, one base deleted (T; older notation c.63-16delT).
Molecular consequence: intron variant.
Genome position (GRCh38, 1-based): chr4:127,957,608, A deleted on the plus strand (T on the coding strand, the reverse complement: MFSD8 is on the minus strand); the first of 6 consecutive A bases (chr4:127,957,608-127,957,613); deleting any one gives the same sequence. VCF-style (leftmost placement, unchanged base first): chr4-127957607-GA-G. GRCh37 (hg19) VCF-style: chr4-128878762-GA-G.
Other names: c.63-16delT (NM_152778.2); c.-71-18del (NM_001371595.1); c.-73-16del (NM_001410765.1, NM_001371590.2); c.63-16del (NM_152778.4, NM_001363521.3, NM_001410766.1 and 5 more transcripts).
Identifiers: ClinVar variation 421967 (VCV000421967.12), dbSNP rs749859985, ClinGen allele CA3077586.